The following is an entry in ClinVar:

NM_001374353.1(GLI2):c.2136C>A (p.Phe712Leu)

Gene: GLI2 (GLI family zinc finger 2; plus strand). Cytogenetic location: 2q14.2.
Variant type: single nucleotide variant.
Coding change: c.2136C>A on transcript NM_001374353.1 (MANE Select); coding-DNA position 2136, C replaced by A.
Protein change: p.Phe712Leu; replaces phenylalanine 712 with leucine.
Molecular consequence: missense variant.
Genome position (GRCh38, 1-based): chr2:120,986,508, C>A. VCF-style: chr2-120986508-C-A. GRCh37 (hg19) VCF-style: chr2-121744084-C-A.
Other names: c.2187C>A, p.Phe729Leu (NM_001371271.1, NM_005270.5); c.1761C>A, p.Phe587Leu (NM_001374354.1); short protein forms F729L, F587L, F712L.
Identifiers: ClinVar variation 285395 (VCV000285395.20), dbSNP rs151179617, ClinGen allele CA1852146.
Genomic context (GRCh38, chr2:120,986,508, plus strand): 5'-GGCTGCCCCCTCCGCTGGTGGCCTCCAGCTGCGCAAACACATGACCACCATGCACCGGTT[C>A]GAGCAGCTCAAGAAGGAGAAGCTCAAGTCACTCAAGGATTCCTGCTCATGGGCCGGGCCG-3'
Protein context (NP_001361282.1, residues 702-722): LRKHMTTMHR[Phe712Leu]EQLKKEKLKS

ClinVar aggregate classification (germline): Benign/Likely benign. Review status: criteria provided, multiple submitters, no conflicts (2 of 4 stars). 6 submissions from 6 submitters: Benign (4); Likely benign (1). 1 of the submissions does not count toward it. Last evaluated 2025-10-28.

Conditions:
Inborn genetic diseases. Identifiers: MedGen C0950123, MeSH D030342.
Holoprosencephaly 9 (HPE9). Also called: HOLOPROSENCEPHALY WITH MICROPHTHALMIA AND FIRST BRANCHIAL ARCH ANOMALIES; PITUITARY ANOMALIES WITH HOLOPROSENCEPHALY-LIKE FEATURES. Identifiers: Orphanet 2162, MedGen C1835819, MONDO:0012563, OMIM 610829.
GLI2-related disorder. Also called: GLI2-related condition; GLI2-related disorders.
Postaxial polydactyly-anterior pituitary anomalies-facial dysmorphism syndrome. Also called: Culler-Jones syndrome. Identifiers: Orphanet 420584, MedGen C4014479, MONDO:0014369, OMIM 615849.

Allele frequency attached by ClinVar (database versions not stated): TOPMed 0.00005; 1000 Genomes Project 30x 0.00109; 1000 Genomes Project 0.00120.
gnomAD v4.1: 515 of 1,614,108 alleles (0.032%); highest among the groups gnomAD compares: South Asian, 0.49%; 7 homozygotes.

Submissions (6):

Labcorp Genetics (formerly Invitae), Labcorp
Classification: Benign for Postaxial polydactyly-anterior pituitary anomalies-facial dysmorphism syndrome; Holoprosencephaly 9. Last evaluated: 2025-10-28. Review status: criteria provided, single submitter. Criteria: Invitae Variant Classification Sherloc (09022015). Collection method: clinical testing. Allele origin: germline.

Blueprint Genetics
Classification: Benign. Last evaluated: 2024-02-09. Review status: criteria provided, single submitter. Criteria: ACMG Guidelines, 2015. Collection method: clinical testing. Allele origin: germline.

Ambry Genetics
Classification: Likely benign for Inborn genetic diseases. Last evaluated: 2021-10-12. Review status: criteria provided, single submitter. Criteria: Ambry Variant Classification Scheme 2023. Collection method: clinical testing. Allele origin: germline.

Illumina Laboratory Services, Illumina
Classification: Benign for Holoprosencephaly 9. Last evaluated: 2018-01-13. Review status: criteria provided, single submitter. Criteria: ICSL Variant Classification Criteria 13 December 2019. Collection method: clinical testing. Allele origin: germline.
Comment: This variant was observed in the ICSL laboratory as part of a predisposition screen in an ostensibly healthy population. It had not been previously curated by ICSL or reported in the Human Gene Mutation Database (HGMD: prior to June 1st, 2018), and was therefore a candidate for classification through an automated scoring system. Utilizing variant allele frequency, disease prevalence and penetrance estimates, and inheritance mode, an automated score was calculated to assess if this variant is too frequent to cause the disease. Based on the score and internal cut-off values, a variant classified as benign is not then subjected to further curation. The score for this variant resulted in a classification of benign for this disease.

Eurofins Ntd Llc (ga)
Classification: Benign. Last evaluated: 2016-01-06. Review status: criteria provided, single submitter. Criteria: EGL Classification Definitions 2015. Collection method: clinical testing. Allele origin: germline. Observed: 1 variant allele.

PreventionGenetics, part of Exact Sciences
Classification: Benign for GLI2-related condition. Last evaluated: 2019-06-28. Review status: no assertion criteria provided. Collection method: clinical testing. Allele origin: germline. Not counted in ClinVar's aggregate classification.
Comment: This variant is classified as benign based on ACMG/AMP sequence variant interpretation guidelines (Richards et al. 2015 PMID: 25741868, with internal and published modifications).